The following is an entry in ClinVar:

NM_002772.3(TMPRSS15):c.1529C>G (p.Pro510Arg)

Gene: TMPRSS15 (transmembrane serine protease 15; minus strand). Cytogenetic location: 21q21.1.
Variant type: single nucleotide variant.
Coding change: c.1529C>G on transcript NM_002772.3 (MANE Select); coding-DNA position 1529, C replaced by G.
Protein change: p.Pro510Arg; replaces proline 510 with arginine.
Molecular consequence: missense variant.
Genome position (GRCh38, 1-based): chr21:18,341,448, G>C on the plus strand (C>G on the coding strand, the complement: TMPRSS15 is on the minus strand). VCF-style: chr21-18341448-G-C. GRCh37 (hg19) VCF-style: chr21-19713765-G-C.
Other names: short protein forms P510R.
Identifiers: ClinVar variation 2019190 (VCV002019190.1), dbSNP rs202066879, ClinGen allele CA9984397.

ClinVar aggregate classification (germline): Uncertain significance (1 of 4 stars; one submission).

gnomAD v4.1: 29 of 1,613,998 alleles (0.0018%); highest among the groups gnomAD compares: South Asian, 0.0033%; no homozygotes.

Submission:

Labcorp Genetics (formerly Invitae), Labcorp
Classification: Uncertain significance. Last evaluated: 2022-05-30. Review status: criteria provided, single submitter. Criteria: Invitae Variant Classification Sherloc (09022015). Collection method: clinical testing. Allele origin: germline.
Comment: This sequence change replaces proline, which is neutral and non-polar, with arginine, which is basic and polar, at codon 510 of the TMPRSS15 protein (p.Pro510Arg). This variant is present in population databases (rs202066879, gnomAD 0.09%). This variant has not been reported in the literature in individuals affected with TMPRSS15-related conditions. Algorithms developed to predict the effect of missense changes on protein structure and function are either unavailable or do not agree on the potential impact of this missense change (SIFT: "Not Available"; PolyPhen-2: "Probably Damaging"; Align-GVGD: "Not Available"). In summary, the available evidence is currently insufficient to determine the role of this variant in disease. Therefore, it has been classified as a Variant of Uncertain Significance.